The following is an entry in ClinVar:

NM_004153.4(ORC1):c.1540A>C (p.Ile514Leu)

Gene: ORC1 (origin recognition complex subunit 1; minus strand). Cytogenetic location: 1p32.3.
Variant type: single nucleotide variant.
Coding change: c.1540A>C on transcript NM_004153.4 (MANE Select); coding-DNA position 1540, A replaced by C.
Protein change: p.Ile514Leu; replaces isoleucine 514 with leucine.
Molecular consequence: missense variant.
Genome position (GRCh38, 1-based): chr1:52,385,204, T>G on the plus strand (A>C on the coding strand, the complement: ORC1 is on the minus strand). VCF-style: chr1-52385204-T-G. GRCh37 (hg19) VCF-style: chr1-52850876-T-G.
Other names: c.1540A>C, p.Ile514Leu (NM_001190818.2); c.1525A>C, p.Ile509Leu (NM_001190819.2); short protein forms I509L, I514L.
Identifiers: ClinVar variation 1356214 (VCV001356214.8), dbSNP rs527750995, ClinGen allele CA340355193.

ClinVar aggregate classification (germline): Uncertain significance (1 of 4 stars; one submission).

Submission:

Labcorp Genetics (formerly Invitae), Labcorp
Classification: Uncertain significance. Last evaluated: 2022-09-07. Review status: criteria provided, single submitter. Criteria: Invitae Variant Classification Sherloc (09022015). Collection method: clinical testing. Allele origin: germline.
Comment: Algorithms developed to predict the effect of missense changes on protein structure and function are either unavailable or do not agree on the potential impact of this missense change (SIFT: "Deleterious"; PolyPhen-2: "Possibly Damaging"; Align-GVGD: "Class C0"). In summary, the available evidence is currently insufficient to determine the role of this variant in disease. Therefore, it has been classified as a Variant of Uncertain Significance. ClinVar contains an entry for this variant (Variation ID: 1356214). This variant has not been reported in the literature in individuals affected with ORC1-related conditions. This variant is not present in population databases (gnomAD no frequency). This sequence change replaces isoleucine, which is neutral and non-polar, with leucine, which is neutral and non-polar, at codon 514 of the ORC1 protein (p.Ile514Leu).